The following is an entry in ClinVar:

NM_032638.5(GATA2):c.1126_1133dup (p.Lys378fs)

Gene: GATA2 (GATA binding protein 2; minus strand). Cytogenetic location: 3q21.3.
Variant type: Duplication.
Coding change: c.1126_1133dup on transcript NM_032638.5 (MANE Select); coding-DNA positions 1126 to 1133, 8 bases duplicated (TACTACAA; older notation c.1126_1133dupTACTACAA).
Protein change: p.Lys378fs; shifts the reading frame from lysine 378.
Molecular consequence: frameshift variant.
Genome position (GRCh38, 1-based): chr3:128,481,829-128,481,836, TTGTAGTA duplicated on the plus strand (TACTACAA on the coding strand, the reverse complement: GATA2 is on the minus strand). VCF-style (leftmost placement, unchanged base first): chr3-128481828-C-CTTGTAGTA. GRCh37 (hg19) VCF-style: chr3-128200671-C-CTTGTAGTA.
Other names: c.1126_1133dup, p.Lys378fs (NM_001145661.2); c.1084_1091dup, p.Lys364fs (NM_001145662.1); short protein forms K364fs, K378fs.
Identifiers: ClinVar variation 1184195 (VCV001184195.1), dbSNP rs2107668582, ClinGen allele CA1139771361.
Genomic context (GRCh38, chr3:128,481,828, plus strand): 5'-GCGCAGAGGTCCCCTGGGAGGGGCGGGGTGGCCGGGGCGGGGCGCACTCACATTGTGCAG[C>CTTGTAGTA]TTGTAGTAGAGGCCACAGGCGTTGCAGACAGGGTCCCCGTTGGCGTTTCGGCGCCATAAG-3'

ClinVar aggregate classification (germline): Pathogenic (1 of 4 stars; one submission).

Conditions:
Deafness-lymphedema-leukemia syndrome. Also called: Emberger syndrome; Lymphedema, primary, with myelodysplasia. Identifiers: Orphanet 3226, MedGen C3279664, MONDO:0013540, OMIM 614038.
GATA2 deficiency with susceptibility to MDS/AML. Identifiers: MedGen CN300066, MONDO:0042982.

Submission:

Molecular Pathology Research Laboratory, SA Pathology
Classification: Pathogenic for GATA2 deficiency with susceptibility to MDS/AML; Deafness-lymphedema-leukemia syndrome. Last evaluated: 2021-07-06. Review status: criteria provided, single submitter. Criteria: ACMG Guidelines, 2015. Collection method: curation. Allele origin: germline. Inheritance: Autosomal dominant inheritance. Affected: yes. Observed: 2 variant alleles.
Comment: PVS1, PS4_Moderate, PM2

Literature cited by the submitters: PubMed 33759087.